The following is an entry in ClinVar:

NM_002878.4(RAD51D):c.577-1G>A

Genes: RAD51D (RAD51 paralog D; minus strand), RAD51L3-RFFL (RAD51L3-RFFL readthrough; minus strand). Cytogenetic location: 17q12.
Variant type: single nucleotide variant.
Coding change: c.577-1G>A on transcript NM_002878.4 (MANE Select); the canonical splice acceptor site of the intron before coding-DNA position 577, G replaced by A.
Molecular consequence: splice acceptor variant.
Genome position (GRCh38, 1-based): chr17:35,103,545, C>T on the plus strand (G>A on the coding strand, the complement: RAD51D is on the minus strand). VCF-style: chr17-35103545-C-T. GRCh37 (hg19) VCF-style: chr17-33430564-C-T.
Other names: c.241-1G>A (NM_133629.3); c.637-1G>A (NM_001142571.2).
Identifiers: ClinVar variation 2763364 (VCV002763364.3), dbSNP rs2142421220, ClinGen allele CA399088003.

ClinVar aggregate classification (germline): Pathogenic (1 of 4 stars; one submission).

Conditions:
Breast-ovarian cancer, familial, susceptibility to, 4. Identifiers: Orphanet 145, MedGen C3280345, MONDO:0013669, OMIM 614291.

gnomAD v4.1: 1 of 1,613,454 alleles (0.000062%); no homozygotes.

Submission:

Labcorp Genetics (formerly Invitae), Labcorp
Classification: Pathogenic for Breast-ovarian cancer, familial, susceptibility to, 4. Last evaluated: 2025-05-07. Review status: criteria provided, single submitter. Criteria: Invitae Variant Classification Sherloc (09022015). Collection method: clinical testing. Allele origin: germline.
Comment: This sequence change affects an acceptor splice site in intron 6 of the RAD51D gene. It is expected to disrupt RNA splicing. Variants that disrupt the donor or acceptor splice site typically lead to a loss of protein function (PMID: 16199547), and loss-of-function variants in RAD51D are known to be pathogenic (PMID: 21822267). This variant is not present in population databases (gnomAD no frequency). This variant has not been reported in the literature in individuals affected with RAD51D-related conditions. ClinVar contains an entry for this variant (Variation ID: 2763364). Studies have shown that disruption of this splice site alters mRNA splicing and is expected to lead to the loss of protein expression (PMID: 34200360). For these reasons, this variant has been classified as Pathogenic.

Literature cited by the submitters: PubMed 16199547; PubMed 21822267; PubMed 34200360.